The following is an entry in ClinVar:

NM_000152.5(GAA):c.2652G>A (p.Thr884=)

Gene: GAA (alpha glucosidase; plus strand). Cytogenetic location: 17q25.3.
Variant type: single nucleotide variant.
Coding change: c.2652G>A on transcript NM_000152.5 (MANE Select); coding-DNA position 2652, G replaced by A.
Protein change: p.Thr884=; no amino-acid change (threonine 884 retained).
Molecular consequence: synonymous variant.
Genome position (GRCh38, 1-based): chr17:80,118,658, G>A. VCF-style: chr17-80118658-G-A. GRCh37 (hg19) VCF-style: chr17-78092457-G-A.
Other names: c.2652G>A, p.Thr884= (NM_001079803.3, NM_001079804.3); c.2652G>A (LRG_673t1).
Identifiers: ClinVar variation 289488 (VCV000289488.49), dbSNP rs143642048, ClinGen allele CA8815826.

ClinVar aggregate classification (germline): Conflicting classifications of pathogenicity. Review status: criteria provided, conflicting classifications (1 of 4 stars). 12 submissions from 12 submitters: Uncertain significance (3); Likely benign (8). 1 of the submissions does not count toward it. Last evaluated 2026-09-01.

Conditions:
Cardiovascular phenotype. Identifiers: MedGen CN230736.
Glycogen storage disease, type II (IOPD). Also called: POMPE DISEASE, INFANTILE-ONSET; GLYCOGEN STORAGE DISEASE II, INFANTILE-ONSET; ACID ALPHA-GLUCOSIDASE DEFICIENCY, INFANTILE-ONSET; GAA DEFICIENCY, INFANTILE-ONSET; ACID MALTASE DEFICIENCY, INFANTILE-ONSET; Glucosidase acid-1,4-alpha deficiency. Identifiers: Orphanet 365, MedGen C0017921, MONDO:0009290, OMIM 232300.

Allele frequency attached by ClinVar (database versions not stated): 1000 Genomes Project 30x 0.00016; 1000 Genomes Project 0.00020; ESP Exome Variant Server 0.00031; gnomAD 0.00034 and 0.00036; TOPMed 0.00036; ExAC 0.00041; gnomAD exomes 0.00043 and 0.00060.
gnomAD v4.1: 919 of 1,612,242 alleles (0.057%); highest among the groups gnomAD compares: Non-Finnish European, 0.062%; 1 homozygote.

Submissions (12):

CeGaT Center for Human Genetics Tuebingen
Classification: Likely benign. Last evaluated: 2026-09-01. Review status: criteria provided, single submitter. Criteria: CeGaT Center For Human Genetics Tuebingen Variant Classification Criteria Version 2. Collection method: clinical testing. Allele origin: germline. Affected: yes. Observed: 2 variant alleles.
Comment: GAA: BP4, BP7

Labcorp Genetics (formerly Invitae), Labcorp
Classification: Likely benign for Glycogen storage disease, type II. Last evaluated: 2026-02-02. Review status: criteria provided, single submitter. Criteria: Invitae Variant Classification Sherloc (09022015). Collection method: clinical testing. Allele origin: germline.

ARUP Laboratories, Molecular Genetics and Genomics, ARUP Laboratories
Classification: Likely benign for Glycogen storage disease, type II. Last evaluated: 2025-06-11. Review status: criteria provided, single submitter. Criteria: ARUP Molecular Germline Variant Investigation Process 2024. Collection method: clinical testing. Allele origin: germline.

Mayo Clinic Laboratories, Mayo Clinic
Classification: Likely benign. Last evaluated: 2025-02-03. Review status: criteria provided, single submitter. Criteria: ACMG Guidelines, 2015. Collection method: clinical testing. Allele origin: germline. Observed: 3 variant alleles.
Comment: BP4, BP7

Blueprint Genetics
Classification: Likely benign. Last evaluated: 2024-10-31. Review status: criteria provided, single submitter. Criteria: ACMG Guidelines, 2015. Collection method: clinical testing. Allele origin: germline.

Ambry Genetics
Classification: Likely benign for Cardiovascular phenotype. Last evaluated: 2022-04-01. Review status: criteria provided, single submitter. Criteria: Ambry Variant Classification Scheme 2023. Collection method: clinical testing. Allele origin: germline.

Genome-Nilou Lab
Classification: Uncertain significance for Glycogen storage disease, type II. Last evaluated: 2021-07-22. Review status: criteria provided, single submitter. Criteria: ACMG Guidelines, 2015. Collection method: clinical testing. Allele origin: germline. Affected: no.

GeneDx
Classification: Likely benign. Last evaluated: 2021-05-05. Review status: criteria provided, single submitter. Criteria: GeneDx Variant Classification Process June 2021. Collection method: clinical testing. Allele origin: germline. Affected: yes.

Broad Center for Mendelian Genomics, Broad Institute of MIT and Harvard
Classification: Likely benign for Glycogen storage disease, type II. Last evaluated: 2020-01-22. Review status: criteria provided, single submitter. Criteria: ACMG Guidelines, 2015. Collection method: curation. Allele origin: germline. Inheritance: Autosomal recessive inheritance.
Comment: The c.2652G>A (p.Thr884=) variant in GAA has not been previously reported in individuals with Glycogen Storage Disease II but has been reported as a VUS by EGL Genetic Diagnostics and a likely benign variant by GeneDx and Invitae in ClinVar (Variation ID: 289488). This variant has been identified in 0.135% (32/23756) of European (Finnish) chromosomes and 0.055% (71/128992) of European (non-Finnish) chromosomes by the Genome Aggregation Database (gnomAD; dbSNP rs143642048). Although this variant has been seen in the general population, its frequency is not high enough to rule out a pathogenic role. Computational prediction tools and conservation analyses suggest that this variant may not impact the protein, though this information is not predictive enough to rule out pathogenicity. However, novel synonymous variants supported by computational evidence without raised suspicion for an impact are likely benign (Richards 2015). In summary, although additional studies are required to fully establish its clinical significance, this variant is likely benign. ACMG/AMP Criteria applied: BP4, BP7 (Richards 2015).

Eurofins Ntd Llc (ga)
Classification: Uncertain significance. Last evaluated: 2018-04-23. Review status: criteria provided, single submitter. Criteria: EGL ClinVar v180209 classification definitions. Collection method: clinical testing. Allele origin: germline. Observed: 5 variant alleles, 5 heterozygotes.

Illumina Laboratory Services, Illumina
Classification: Uncertain significance for Glycogen storage disease, type II. Last evaluated: 2018-01-12. Review status: criteria provided, single submitter. Criteria: ICSL Variant Classification Criteria 13 December 2019. Collection method: clinical testing. Allele origin: germline.

Natera, Inc.
Classification: Likely benign for Glycogen storage disease type II. Last evaluated: 2020-02-07. Review status: no assertion criteria provided. Collection method: clinical testing. Allele origin: germline. Not counted in ClinVar's aggregate classification.